The following is an entry in ClinVar:

ClinVar aggregate classification (germline): Uncertain significance. Review status: criteria provided, multiple submitters, no conflicts (2 of 4 stars). 2 submissions from 2 submitters: Uncertain significance (2). Last evaluated 2025-07-19.

Conditions:
Hereditary cancer-predisposing syndrome. Also called: Hereditary neoplastic syndrome; Hereditary Cancer Syndrome; Tumor predisposition; Neoplastic Syndromes, Hereditary. Identifiers: Orphanet 140162, MedGen C0027672, MeSH D009386, MONDO:0015356.

Submissions (2):

Labcorp Genetics (formerly Invitae), Labcorp
Classification: Uncertain significance. Last evaluated: 2025-07-19. Review status: criteria provided, single submitter. Criteria: Invitae Variant Classification Sherloc (09022015). Collection method: clinical testing. Allele origin: germline.
Comment: This sequence change replaces leucine, which is neutral and non-polar, with phenylalanine, which is neutral and non-polar, at codon 282 of the CTNNA1 protein (p.Leu282Phe). This variant is not present in population databases (gnomAD no frequency). This variant has not been reported in the literature in individuals affected with CTNNA1-related conditions. ClinVar contains an entry for this variant (Variation ID: 1519087). Invitae Evidence Modeling of protein sequence and biophysical properties (such as structural, functional, and spatial information, amino acid conservation, physicochemical variation, residue mobility, and thermodynamic stability) indicates that this missense variant is not expected to disrupt CTNNA1 protein function with a negative predictive value of 80%. In summary, the available evidence is currently insufficient to determine the role of this variant in disease. Therefore, it has been classified as a Variant of Uncertain Significance.

Ambry Genetics
Classification: Uncertain significance for Hereditary cancer-predisposing syndrome. Last evaluated: 2024-05-02. Review status: criteria provided, single submitter. Criteria: Ambry Variant Classification Scheme 2023. Collection method: clinical testing. Allele origin: germline.
Comment: The p.L282F variant (also known as c.844C>T), located in coding exon 5 of the CTNNA1 gene, results from a C to T substitution at nucleotide position 844. The leucine at codon 282 is replaced by phenylalanine, an amino acid with highly similar properties. This amino acid position is conserved. In addition, the in silico prediction for this alteration is inconclusive. Based on the available evidence, the clinical significance of this variant remains unclear.

NM_001903.5(CTNNA1):c.844C>T (p.Leu282Phe)

Gene: CTNNA1 (catenin alpha 1; plus strand). Cytogenetic location: 5q31.2.
Variant type: single nucleotide variant.
Coding change: c.844C>T on transcript NM_001903.5 (MANE Select); coding-DNA position 844, C replaced by T.
Protein change: p.Leu282Phe; replaces leucine 282 with phenylalanine.
Molecular consequence: missense variant.
Genome position (GRCh38, 1-based): chr5:138,824,785, C>T. VCF-style: chr5-138824785-C-T. GRCh37 (hg19) VCF-style: chr5-138160474-C-T.
Other names: c.844C>T, p.Leu282Phe (NM_001290307.3, NM_001323982.2, NM_001323983.1 and 3 more transcripts); c.535C>T, p.Leu179Phe (NM_001290309.3); c.475C>T, p.Leu159Phe (NM_001290310.3); c.844C>T (NM_001903.2); short protein forms L179F, L282F, L159F.
Identifiers: ClinVar variation 1519087 (VCV001519087.9), dbSNP rs2149776761, ClinGen allele CA361130282.